The following is an entry in ClinVar:

NM_000350.3(ABCA4):c.5522T>A (p.Leu1841Gln)

Gene: ABCA4 (ATP binding cassette subfamily A member 4; minus strand). Cytogenetic location: 1p22.1.
Variant type: single nucleotide variant.
Coding change: c.5522T>A on transcript NM_000350.3 (MANE Select); coding-DNA position 5522, T replaced by A.
Protein change: p.Leu1841Gln; replaces leucine 1841 with glutamine.
Molecular consequence: missense variant.
Genome position (GRCh38, 1-based): chr1:94,011,324, A>T on the plus strand (T>A on the coding strand, the complement: ABCA4 is on the minus strand). VCF-style: chr1-94011324-A-T. GRCh37 (hg19) VCF-style: chr1-94476880-A-T.
Other names: c.5300T>A, p.Leu1767Gln (NM_001425324.1); short protein forms L1841Q, L1767Q.
Identifiers: ClinVar variation 2101729 (VCV002101729.4), dbSNP rs2523657774, ClinGen allele CA341281087.
Genomic context (GRCh38, chr1:94,011,324, plus strand): 5'-AACCGGGCATAGACATCTGTCACAGCCTGGCTCAGTGCAAGGTCAATGAGGCCCCGGCCC[A>T]GGCAGAAGTGGGGGAAGACAATGAGCAGCTTCCTCAGCACGGCGTTGAACCTGAGCAGCG-3'
Protein context (NP_000341.2, residues 1831-1851): KLLIVFPHFC[Leu1841Gln]GRGLIDLALS

ClinVar aggregate classification (germline): Likely pathogenic (1 of 4 stars; one submission).

Submission:

Labcorp Genetics (formerly Invitae), Labcorp
Classification: Likely pathogenic. Last evaluated: 2023-08-04. Review status: criteria provided, single submitter. Criteria: Invitae Variant Classification Sherloc (09022015). Collection method: clinical testing. Allele origin: germline.
Comment: In summary, the currently available evidence indicates that the variant is pathogenic, but additional data are needed to prove that conclusively. Therefore, this variant has been classified as Likely Pathogenic. Advanced modeling of protein sequence and biophysical properties (such as structural, functional, and spatial information, amino acid conservation, physicochemical variation, residue mobility, and thermodynamic stability) performed at Invitae indicates that this missense variant is expected to disrupt ABCA4 protein function. ClinVar contains an entry for this variant (Variation ID: 2101729). This missense change has been observed in individual(s) with Stargardt Disease (Invitae). This variant is not present in population databases (gnomAD no frequency). This sequence change replaces leucine, which is neutral and non-polar, with glutamine, which is neutral and polar, at codon 1841 of the ABCA4 protein (p.Leu1841Gln).